The following is an entry in ClinVar:

NM_144670.6(A2ML1):c.3874C>T (p.Pro1292Ser)

Gene: A2ML1 (alpha-2-macroglobulin like 1; plus strand). Cytogenetic location: 12p13.31.
Variant type: single nucleotide variant.
Coding change: c.3874C>T on transcript NM_144670.6 (MANE Select); coding-DNA position 3874, C replaced by T.
Protein change: p.Pro1292Ser; replaces proline 1292 with serine.
Molecular consequence: missense variant.
Genome position (GRCh38, 1-based): chr12:8,867,998, C>T. VCF-style: chr12-8867998-C-T. GRCh37 (hg19) VCF-style: chr12-9020594-C-T.
Other names: c.2401C>T, p.Pro801Ser (NM_001282424.3); short protein forms P1292S, P801S.
Identifiers: ClinVar variation 4809214 (VCV004809214.1).

ClinVar aggregate classification (germline): Uncertain significance (1 of 4 stars; one submission).

gnomAD v4.1: 3 of 1,614,234 alleles (0.00019%); highest among the groups gnomAD compares: Non-Finnish European, 0.00025%; no homozygotes.

Submission:

Labcorp Genetics (formerly Invitae), Labcorp
Classification: Uncertain significance. Last evaluated: 2025-09-01. Review status: criteria provided, single submitter. Criteria: Invitae Variant Classification Sherloc (09022015). Collection method: clinical testing. Allele origin: germline.
Comment: This sequence change replaces proline, which is neutral and non-polar, with serine, which is neutral and polar, at codon 1292 of the A2ML1 protein (p.Pro1292Ser). This variant is not present in population databases (gnomAD no frequency). This variant has not been reported in the literature in individuals affected with A2ML1-related conditions. An algorithm developed to predict the effect of missense changes on protein structure and function (PolyPhen-2) suggests that this variant is likely to be tolerated. In summary, the available evidence is currently insufficient to determine the role of this variant in disease. Therefore, it has been classified as a Variant of Uncertain Significance.